The following is an entry in ClinVar:

ClinVar aggregate classification (germline): Pathogenic. Review status: criteria provided, multiple submitters, no conflicts (2 of 4 stars). 2 submissions from 2 submitters: Pathogenic (2). Last evaluated 2021-01-04.

Conditions:
Hereditary cancer-predisposing syndrome. Also called: Hereditary neoplastic syndrome; Neoplastic Syndromes, Hereditary; Tumor predisposition; Hereditary Cancer Syndrome. Identifiers: Orphanet 140162, MedGen C0027672, MeSH D009386, MONDO:0015356.
Cardiovascular phenotype. Identifiers: MedGen CN230736.

Submissions (2):

GeneDx
Classification: Pathogenic. Last evaluated: 2021-01-04. Review status: criteria provided, single submitter. Criteria: GeneDx Variant Classification Process June 2021. Collection method: clinical testing. Allele origin: germline. Affected: yes.
Comment: Frameshift variant predicted to result in protein truncation or nonsense mediated decay in a gene for which loss-of-function is a known mechanism of disease; Not observed in large population cohorts (Lek 2016); Has not been previously published as pathogenic or benign to our knowledge

Ambry Genetics
Classification: Pathogenic for Cardiovascular phenotype; Hereditary cancer-predisposing syndrome. Last evaluated: 2017-05-31. Review status: criteria provided, single submitter. Criteria: Ambry Variant Classification Scheme 2023. Collection method: clinical testing. Allele origin: germline.
Comment: The c.1572delA pathogenic mutation, located in coding exon 14 of the NF1 gene, results from a deletion of one nucleotide at nucleotide position 1572, causing a translational frameshift with a predicted alternate stop codon (p.E524Dfs*2). This alteration is expected to result in loss of function by premature protein truncation or nonsense-mediated mRNA decay. As such, this alteration is interpreted as a disease-causing mutation.

NM_001042492.3(NF1):c.1572del (p.Glu524fs)

Gene: NF1 (neurofibromin 1; plus strand). Cytogenetic location: 17q11.2.
Variant type: Deletion.
Coding change: c.1572del on transcript NM_001042492.3 (MANE Select); coding-DNA position 1572, one base deleted (A; older notation c.1572delA).
Protein change: p.Glu524fs; shifts the reading frame from glutamic acid 524.
Molecular consequence: frameshift variant.
Genome position (GRCh38, 1-based): chr17:31,219,049, A deleted; the last of 2 consecutive A bases (chr17:31,219,048-31,219,049); deleting either gives the same sequence. VCF-style (leftmost placement, unchanged base first): chr17-31219047-GA-G. GRCh37 (hg19) VCF-style: chr17-29546065-GA-G.
Other names: c.1572delA (NM_000267.3); c.1572delA, p.Glu524Aspfs (NM_000267.4); c.1572del, p.Glu524fs (NM_001128147.3); short protein forms E524fs.
Identifiers: ClinVar variation 426130 (VCV000426130.8), dbSNP rs1085307461, ClinGen allele CA645293900.